The following is an entry in ClinVar:

ClinVar aggregate classification (germline): Uncertain significance (1 of 4 stars; one submission).

Conditions:
Singleton-Merten syndrome 1 (SGMRT1). Also called: Widened medullary cavities of bone, aortic calcification, abnormal dentition, and muscular weakness; Syndrome of widened medullary cavities of the metacarpals and phalanges, aortic calcification and abnormal dentition. Identifiers: Orphanet 85191, MedGen C4225427, MONDO:0024535, OMIM 182250.
Aicardi-Goutieres syndrome 7 (AGS7). Identifiers: Orphanet 51, MedGen C3888244, MONDO:0014367, OMIM 615846.

Allele frequency attached by ClinVar (database versions not stated): gnomAD 0.00001.
gnomAD v4.1: 1 of 1,613,826 alleles (0.000062%); highest among the groups gnomAD compares: Non-Finnish European, 0.000085%; no homozygotes.

Submission:

Labcorp Genetics (formerly Invitae), Labcorp
Classification: Uncertain significance for Aicardi-Goutieres syndrome 7; Singleton-Merten syndrome 1. Last evaluated: 2022-11-08. Review status: criteria provided, single submitter. Criteria: Invitae Variant Classification Sherloc (09022015). Collection method: clinical testing. Allele origin: germline.
Comment: In summary, the available evidence is currently insufficient to determine the role of this variant in disease. Therefore, it has been classified as a Variant of Uncertain Significance. Algorithms developed to predict the effect of missense changes on protein structure and function output the following: SIFT: "Tolerated"; PolyPhen-2: "Benign"; Align-GVGD: "Class C0". The tyrosine amino acid residue is found in multiple mammalian species, which suggests that this missense change does not adversely affect protein function. This variant has not been reported in the literature in individuals affected with IFIH1-related conditions. This variant is present in population databases (rs753965202, gnomAD 0.0009%). This sequence change replaces histidine, which is basic and polar, with tyrosine, which is neutral and polar, at codon 753 of the IFIH1 protein (p.His753Tyr).

NM_022168.4(IFIH1):c.2257C>T (p.His753Tyr)

Gene: IFIH1 (interferon induced with helicase C domain 1; minus strand). Cytogenetic location: 2q24.2.
Variant type: single nucleotide variant.
Coding change: c.2257C>T on transcript NM_022168.4 (MANE Select); coding-DNA position 2257, C replaced by T.
Protein change: p.His753Tyr; replaces histidine 753 with tyrosine.
Molecular consequence: missense variant.
Genome position (GRCh38, 1-based): chr2:162,276,734, G>A on the plus strand (C>T on the coding strand, the complement: IFIH1 is on the minus strand). VCF-style: chr2-162276734-G-A. GRCh37 (hg19) VCF-style: chr2-163133244-G-A.
Other names: short protein forms H753Y.
Identifiers: ClinVar variation 2939778 (VCV002939778.1), dbSNP rs753965202, ClinGen allele CA1934258.
Genomic context (GRCh38, chr2:162,276,734, plus strand): 5'-AGGATATTTATACCTGTGTCATGGGTTTGAACTCACTGCTGTGTCCAGCTCCAATCAGAT[G>A]GTGGGCTTTGACTCCTACTTCAGCAAATTTTTCATTTTCAGTAATCCACTGGGAAAGCGC-3'
Protein context (NP_071451.2, residues 743-763): KFAEVGVKAH[His753Tyr]LIGAGHSSEF